The following is an entry in ClinVar:

NM_004431.5(EPHA2):c.86-9C>T

Gene: EPHA2 (EPH receptor A2; minus strand). Cytogenetic location: 1p36.13.
Variant type: single nucleotide variant.
Coding change: c.86-9C>T on transcript NM_004431.5 (MANE Select); 9 bases into the intron before coding-DNA position 86, C replaced by T.
Molecular consequence: intron variant.
Genome position (GRCh38, 1-based): chr1:16,150,972, G>A on the plus strand (C>T on the coding strand, the complement: EPHA2 is on the minus strand). VCF-style: chr1-16150972-G-A. GRCh37 (hg19) VCF-style: chr1-16477467-G-A.
Other names: c.-9-1925C>T (NM_001329090.2).
Identifiers: ClinVar variation 259397 (VCV000259397.16), dbSNP rs138164293, ClinGen allele CA625606.
Genomic context (GRCh38, chr1:16,150,972, plus strand): 5'-TGTGTGAGCCAGCCGAGCTCCCCTCCAGCTGCAGCAAAGTCCAGCAGTACCACTGAAAGG[G>A]AGAAGGGAGAGGGGGTGAGCCTGGGGGTGTCTTCAGGAGTCAGACCATGGCAGGAAAGGT-3'

ClinVar aggregate classification (germline): Benign. Review status: criteria provided, multiple submitters, no conflicts (2 of 4 stars). 3 submissions from 3 submitters: Benign (3). Last evaluated 2026-01-22.

Conditions:
Cataract 6 multiple types. Also called: CATARACT, AGE-RELATED CORTICAL, 2; CATARACT 6, POSTERIOR POLAR; CATARACT 6, CONGENITAL TOTAL. Identifiers: Orphanet 91492, MedGen C1861825, MONDO:0007288, OMIM 116600.

Allele frequency attached by ClinVar (database versions not stated): 1000 Genomes Project 0.00260; 1000 Genomes Project 30x 0.00328; TOPMed 0.00547; ExAC 0.00559; gnomAD exomes 0.00568; ESP Exome Variant Server 0.00577; gnomAD 0.00591 and 0.00608.
gnomAD v4.1: 13,481 of 1,614,034 alleles (0.84%); highest among the groups gnomAD compares: Non-Finnish European, 1%; 70 homozygotes.

Submissions (3):

Labcorp Genetics (formerly Invitae), Labcorp
Classification: Benign for Cataract 6 multiple types. Last evaluated: 2026-01-22. Review status: criteria provided, single submitter. Criteria: Invitae Variant Classification Sherloc (09022015). Collection method: clinical testing. Allele origin: germline.

Illumina Laboratory Services, Illumina
Classification: Benign for Cataract 6 multiple types. Last evaluated: 2018-01-13. Review status: criteria provided, single submitter. Criteria: ICSL Variant Classification Criteria 13 December 2019. Collection method: clinical testing. Allele origin: germline.
Comment: This variant was observed in the ICSL laboratory as part of a predisposition screen in an ostensibly healthy population. It had not been previously curated by ICSL or reported in the Human Gene Mutation Database (HGMD: prior to June 1st, 2018), and was therefore a candidate for classification through an automated scoring system. Utilizing variant allele frequency, disease prevalence and penetrance estimates, and inheritance mode, an automated score was calculated to assess if this variant is too frequent to cause the disease. Based on the score and internal cut-off values, a variant classified as benign is not then subjected to further curation. The score for this variant resulted in a classification of benign for this disease.

PreventionGenetics, part of Exact Sciences
Classification: Benign. Review status: criteria provided, single submitter. Criteria: ACMG Guidelines, 2015. Collection method: clinical testing. Allele origin: germline.